The following is an entry in ClinVar:

NM_000338.3(SLC12A1):c.1166dup (p.Ala390fs)

Gene: SLC12A1 (solute carrier family 12 member 1; plus strand). Cytogenetic location: 15q21.1.
Variant type: Duplication.
Coding change: c.1166dup on transcript NM_000338.3 (MANE Select); coding-DNA position 1166, one base duplicated (C; older notation c.1166dupC).
Protein change: p.Ala390fs; shifts the reading frame from alanine 390.
Molecular consequence: frameshift variant.
Genome position (GRCh38, 1-based): chr15:48,234,955, C duplicated; the last of 3 consecutive C bases (chr15:48,234,953-48,234,955); duplicating any one gives the same sequence. VCF-style (leftmost placement, unchanged base first): chr15-48234952-T-TC. GRCh37 (hg19) VCF-style: chr15-48527149-T-TC.
Other names: c.1166dup, p.Ala390fs (NM_001184832.2, NM_001384136.1); short protein forms A390fs.
Identifiers: ClinVar variation 2202999 (VCV002202999.5), dbSNP rs746659421, ClinGen allele CA7546984.

ClinVar aggregate classification (germline): Pathogenic/Likely pathogenic. Review status: criteria provided, multiple submitters, no conflicts (2 of 4 stars). 2 submissions from 2 submitters: Pathogenic (1); Likely pathogenic (1). Last evaluated 2023-08-02.

Conditions:
SLC12A1-related disorder. Also called: SLC12A1-related condition.

Submissions (2):

Labcorp Genetics (formerly Invitae), Labcorp
Classification: Pathogenic. Last evaluated: 2023-08-02. Review status: criteria provided, single submitter. Criteria: Invitae Variant Classification Sherloc (09022015). Collection method: clinical testing. Allele origin: germline.
Comment: This variant has not been reported in the literature in individuals affected with SLC12A1-related conditions. ClinVar contains an entry for this variant (Variation ID: 2202999). For these reasons, this variant has been classified as Pathogenic. This variant is present in population databases (rs746659421, gnomAD 0.006%). This sequence change creates a premature translational stop signal (p.Ala390Serfs*58) in the SLC12A1 gene. It is expected to result in an absent or disrupted protein product. Loss-of-function variants in SLC12A1 are known to be pathogenic (PMID: 8640224, 9585600, 19096086).

Blueprint Genetics
Classification: Likely pathogenic for SLC12A1-related disorders. Last evaluated: 2020-02-25. Review status: criteria provided, single submitter. Criteria: ACMG Guidelines, 2015. Collection method: clinical testing. Allele origin: germline. Affected: yes. Observed: 1 variant allele.

Literature cited by the submitters: PubMed 8640224 (cited by Labcorp Genetics (formerly Invitae), Labcorp); PubMed 9585600 (cited by Labcorp Genetics (formerly Invitae), Labcorp); PubMed 19096086 (cited by Labcorp Genetics (formerly Invitae), Labcorp).